The following is an entry in ClinVar:

ClinVar aggregate classification (germline): Uncertain significance (1 of 4 stars; one submission).

Allele frequency attached by ClinVar (database versions not stated): gnomAD exomes below 0.00001; ExAC 0.00002; gnomAD 0.00003; TOPMed 0.00003.
gnomAD v4.1: 11 of 1,613,904 alleles (0.00068%); highest among the groups gnomAD compares: African/African-American, 0.004%; no homozygotes.

Submission:

Labcorp Genetics (formerly Invitae), Labcorp
Classification: Uncertain significance. Last evaluated: 2024-09-08. Review status: criteria provided, single submitter. Criteria: Invitae Variant Classification Sherloc (09022015). Collection method: clinical testing. Allele origin: germline.
Comment: This sequence change replaces asparagine, which is neutral and polar, with serine, which is neutral and polar, at codon 486 of the SORL1 protein (p.Asn486Ser). This variant is present in population databases (rs769355257, gnomAD 0.007%). This variant has not been reported in the literature in individuals affected with SORL1-related conditions. ClinVar contains an entry for this variant (Variation ID: 1895978). An algorithm developed to predict the effect of missense changes on protein structure and function outputs the following: PolyPhen-2: "Benign". The serine amino acid residue is found in multiple mammalian species, which suggests that this missense change does not adversely affect protein function. In summary, the available evidence is currently insufficient to determine the role of this variant in disease. Therefore, it has been classified as a Variant of Uncertain Significance.

NM_003105.6(SORL1):c.1457A>G (p.Asn486Ser)

Gene: SORL1 (sortilin related receptor 1; plus strand). Cytogenetic location: 11q24.1.
Variant type: single nucleotide variant.
Coding change: c.1457A>G on transcript NM_003105.6 (MANE Select); coding-DNA position 1457, A replaced by G.
Protein change: p.Asn486Ser; replaces asparagine 486 with serine.
Molecular consequence: missense variant.
Genome position (GRCh38, 1-based): chr11:121,522,638, A>G. VCF-style: chr11-121522638-A-G. GRCh37 (hg19) VCF-style: chr11-121393347-A-G.
Other names: short protein forms N486S.
Identifiers: ClinVar variation 1895978 (VCV001895978.5), dbSNP rs769355257, ClinGen allele CA6328628.